The following is an entry in ClinVar:

NC_000016.9:g.(?_160503)_(169274_?)dup

Gene: NPRL3 (NPR3 like, GATOR1 complex subunit; minus strand). Cytogenetic location: 16p13.3.
Variant type: Duplication.
Identifiers: ClinVar variation 1431881 (VCV001431881.5).

ClinVar aggregate classification (germline): Uncertain significance (1 of 4 stars; one submission).

Conditions:
Epilepsy, familial focal, with variable foci 3 (FFEVF3). Identifiers: MedGen C4310708, MONDO:0014925, OMIM 617118.

Submission:

Labcorp Genetics (formerly Invitae), Labcorp
Classification: Uncertain significance for Epilepsy, familial focal, with variable foci 3. Last evaluated: 2022-07-25. Review status: criteria provided, single submitter. Criteria: Invitae Variant Classification Sherloc (09022015). Collection method: clinical testing. Allele origin: germline.
Comment: This variant results in a copy number gain of the genomic region encompassing exon(s) 4-7 of the NPRL3 gene. While the exact position of this variant cannot be determined from the data, sub-genic copy number gains are generally in tandem (PMID: 25640679). This variant is predicted to be in-frame, and likely preserves the integrity of the reading frame. This variant has not been reported in the literature in individuals affected with NPRL3-related conditions. Experimental studies and prediction algorithms are not available or were not evaluated, and the functional significance of this variant is currently unknown. In summary, the available evidence is currently insufficient to determine the role of this variant in disease. Therefore, it has been classified as a Variant of Uncertain Significance.

Literature cited by the submitters: PubMed 25640679.